The following is an entry in ClinVar:

NM_005378.6(MYCN):c.788C>G (p.Ser263Ter)

Gene: MYCN (MYCN proto-oncogene, bHLH transcription factor; plus strand). Cytogenetic location: 2p24.3.
Variant type: single nucleotide variant.
Coding change: c.788C>G on transcript NM_005378.6 (MANE Select); coding-DNA position 788, C replaced by G.
Protein change: p.Ser263Ter; replaces serine 263 with a stop codon.
Molecular consequence: nonsense. On other transcripts: 3 prime UTR variant (1), intron variant (1).
Genome position (GRCh38, 1-based): chr2:15,942,852, C>G. VCF-style: chr2-15942852-C-G. GRCh37 (hg19) VCF-style: chr2-16082974-C-G.
Other names: c.788C>G, p.Ser263Ter (NM_001293228.2); c.*723C>G (NM_001293233.2); c.157+2109C>G (NM_001293231.2); short protein forms S263*.
Identifiers: ClinVar variation 620521 (VCV000620521.1), dbSNP rs1558534492, ClinGen allele CA345931590.

ClinVar aggregate classification (germline): Pathogenic (1 of 4 stars; one submission).

Submission:

GeneDx
Classification: Pathogenic. Last evaluated: 2018-12-17. Review status: criteria provided, single submitter. Criteria: GeneDx Variant Classification (06012015). Collection method: clinical testing. Allele origin: germline. Affected: yes.
Comment: The S263X nonsense variant in the C-terminus of the MYCN gene is predicted to result in protein truncation, as the last 202 amino acids are lost, and other loss-of-function variants have been reported downstream in the Human Gene Mutation Database (Stenson et al., 2014). The S263X variant is not observed in large population cohorts (Lek et al., 2016).